The following is an entry in ClinVar:

ClinVar aggregate classification (germline): Conflicting classifications of pathogenicity. Review status: criteria provided, conflicting classifications (1 of 4 stars). 2 submissions from 2 submitters: Likely pathogenic (1); Uncertain significance (1). Last evaluated 2025-12-22.

Conditions:
Hereditary cancer-predisposing syndrome. Also called: Hereditary Cancer Syndrome; Neoplastic Syndromes, Hereditary; Tumor predisposition; Hereditary neoplastic syndrome. Identifiers: Orphanet 140162, MedGen C0027672, MeSH D009386, MONDO:0015356.
BAP1-related tumor predisposition syndrome (TPDS1). Also called: COMMON Syndrome; Tumor susceptibility linked to germline BAP1 mutations; TUMOR PREDISPOSITION SYNDROME 1; BAP1 tumor predisposition syndrome. Identifiers: Orphanet 289539, MedGen C3280492, MONDO:0013692, OMIM 614327.

Submissions (2):

Ambry Genetics
Classification: Likely pathogenic for Hereditary cancer-predisposing syndrome. Last evaluated: 2025-12-22. Review status: criteria provided, single submitter. Criteria: Ambry Variant Classification Scheme 2023. Collection method: clinical testing. Allele origin: germline.
Comment: The c.524C>G variant (also known as p.P175R), located in coding exon 7 of the BAP1 gene, results from a C to G substitution at nucleotide position 524. The proline at codon 175 is replaced by arginine, an amino acid with dissimilar properties. This variant was reported in individual(s) with features consistent with BAP1-tumor predisposition syndrome (Ambry internal data; External communication). This nucleotide position is highly conserved in available vertebrate species. In silico splice site analysis predicts that this alteration will result in the creation or strengthening of a novel splice donor site. RNA studies have demonstrated that this alteration results in abnormal splicing in the set of samples tested (Ambry internal data). This alteration was non-functional in a high throughput genome editing haploid cell survival functional assay (Waters, AJ et al. Nat Genet 2024 Jul;56(7):1434-1445). Based on the majority of available evidence to date, this variant is likely to be pathogenic.

Labcorp Genetics (formerly Invitae), Labcorp
Classification: Uncertain significance for BAP1-related tumor predisposition syndrome. Last evaluated: 2024-11-11. Review status: criteria provided, single submitter. Criteria: Invitae Variant Classification Sherloc (09022015). Collection method: clinical testing. Allele origin: germline.
Comment: This sequence change replaces proline, which is neutral and non-polar, with arginine, which is basic and polar, at codon 175 of the BAP1 protein (p.Pro175Arg). This variant is not present in population databases (gnomAD no frequency). This missense change has been observed in individual(s) with clinical features of BAP1-related conditions (internal data). ClinVar contains an entry for this variant (Variation ID: 1062553). Invitae Evidence Modeling of protein sequence and biophysical properties (such as structural, functional, and spatial information, amino acid conservation, physicochemical variation, residue mobility, and thermodynamic stability) indicates that this missense variant is expected to disrupt BAP1 protein function with a positive predictive value of 80%. In summary, the available evidence is currently insufficient to determine the role of this variant in disease. Therefore, it has been classified as a Variant of Uncertain Significance.

Literature cited by the submitters: PubMed 38969833 (cited by Ambry Genetics).

NM_004656.4(BAP1):c.524C>G (p.Pro175Arg)

Gene: BAP1 (BRCA1 associated deubiquitinase 1; minus strand). Cytogenetic location: 3p21.1.
Variant type: single nucleotide variant.
Coding change: c.524C>G on transcript NM_004656.4 (MANE Select); coding-DNA position 524, C replaced by G.
Protein change: p.Pro175Arg; replaces proline 175 with arginine.
Molecular consequence: missense variant.
Genome position (GRCh38, 1-based): chr3:52,407,230, G>C on the plus strand (C>G on the coding strand, the complement: BAP1 is on the minus strand). VCF-style: chr3-52407230-G-C. GRCh37 (hg19) VCF-style: chr3-52441246-G-C.
Other names: c.524C>G (NM_004656.2); short protein forms P175R.
Identifiers: ClinVar variation 1062553 (VCV001062553.6), dbSNP rs1705195086, ClinGen allele CA353109804.
Genomic context (GRCh38, chr3:52,407,230, plus strand): 5'-CTACCATGGTCAATGGGGTAGACCTTCAGCCCATCCAGCTCAAAGAGCCGGCCTGTGATA[G>C]GCACATAGCTGACAAAGTGGAACGCCTCCATGGTCCGCACTGCACTAAGGCCATTCTGCT-3'
Protein context (NP_004647.1, residues 165-185): MEAFHFVSYV[Pro175Arg]ITGRLFELDG